The following is an entry in ClinVar:

ClinVar aggregate classification (germline): Uncertain significance (1 of 4 stars; one submission).

Conditions:
Familial melanoma. Also called: Hereditary melanoma; Hereditary cutaneous melanoma. Identifiers: Orphanet 618, MedGen C1512419, MONDO:0018961.

Submission:

Labcorp Genetics (formerly Invitae), Labcorp
Classification: Uncertain significance for Familial melanoma. Last evaluated: 2022-06-29. Review status: criteria provided, single submitter. Criteria: Invitae Variant Classification Sherloc (09022015). Collection method: clinical testing. Allele origin: germline.
Comment: In summary, the available evidence is currently insufficient to determine the role of this variant in disease. Therefore, it has been classified as a Variant of Uncertain Significance. Algorithms developed to predict the effect of missense changes on protein structure and function output the following: SIFT: "Tolerated"; PolyPhen-2: "Benign"; Align-GVGD: "Class C0". The glutamic acid amino acid residue is found in multiple mammalian species, which suggests that this missense change does not adversely affect protein function. This variant has not been reported in the literature in individuals affected with CDKN2A (p16INK4a)-related conditions. This variant is not present in population databases (gnomAD no frequency). This sequence change replaces aspartic acid, which is acidic and polar, with glutamic acid, which is acidic and polar, at codon 146 of the CDKN2A (p16INK4a) protein (p.Asp146Glu).

NM_000077.5(CDKN2A):c.438T>G (p.Asp146Glu)

Gene: CDKN2A (cyclin dependent kinase inhibitor 2A; minus strand). Cytogenetic location: 9p21.3.
Variant type: single nucleotide variant.
Coding change: c.438T>G on transcript NM_000077.5; coding-DNA position 438, T replaced by G.
Protein change: p.Asp146Glu; replaces aspartic acid 146 with glutamic acid.
Molecular consequence: missense variant (on NM_000077.6). On other transcripts: 3 prime UTR variant (2).
Genome position (GRCh38, 1-based): chr9:21,970,921, A>C on the plus strand (T>G on the coding strand, the complement: CDKN2A is on the minus strand). VCF-style: chr9-21970921-A-C. GRCh37 (hg19) VCF-style: chr9-21970920-A-C.
Other names: c.438T>G, p.Asp146Glu (NM_000077.6, NM_001195132.2); c.285T>G, p.Asp95Glu (NM_001363763.2); c.*82T>G (NM_058195.4); c.*361T>G (NM_058197.5); short protein forms D146E, D95E.
Identifiers: ClinVar variation 2012076 (VCV002012076.4), dbSNP rs1819681602, ClinGen allele CA373085840.